The following is an entry in ClinVar:

NM_004260.4(RECQL4):c.3606G>T (p.Glu1202Asp)

Gene: RECQL4 (RecQ like helicase 4; minus strand). Cytogenetic location: 8q24.3.
Variant type: single nucleotide variant.
Coding change: c.3606G>T on transcript NM_004260.4 (MANE Select); coding-DNA position 3606, G replaced by T.
Protein change: p.Glu1202Asp; replaces glutamic acid 1202 with aspartic acid.
Molecular consequence: missense variant.
Genome position (GRCh38, 1-based): chr8:144,511,452, C>A on the plus strand (G>T on the coding strand, the complement: RECQL4 is on the minus strand). VCF-style: chr8-144511452-C-A. GRCh37 (hg19) VCF-style: chr8-145736835-C-A.
Other names: short protein forms E1202D.
Identifiers: ClinVar variation 1039286 (VCV001039286.5), dbSNP rs1259980040, ClinGen allele CA372665618.

ClinVar aggregate classification (germline): Uncertain significance (1 of 4 stars; one submission).

Conditions:
Baller-Gerold syndrome (BGS). Also called: CRANIOSYNOSTOSIS WITH RADIAL DEFECTS. Identifiers: Orphanet 1225, MedGen C0265308, MONDO:0009039, OMIM 218600.

gnomAD v4.1: 1 of 1,612,534 alleles (0.000062%); highest among the groups gnomAD compares: Non-Finnish European, 0.000085%; no homozygotes.

Submission:

Labcorp Genetics (formerly Invitae), Labcorp
Classification: Uncertain significance for Baller-Gerold syndrome. Last evaluated: 2022-01-12. Review status: criteria provided, single submitter. Criteria: Invitae Variant Classification Sherloc (09022015). Collection method: clinical testing. Allele origin: germline.
Comment: This sequence change replaces glutamic acid, which is acidic and polar, with aspartic acid, which is acidic and polar, at codon 1202 of the RECQL4 protein (p.Glu1202Asp). This variant is not present in population databases (gnomAD no frequency). In summary, the available evidence is currently insufficient to determine the role of this variant in disease. Therefore, it has been classified as a Variant of Uncertain Significance. Experimental studies and prediction algorithms are not available or were not evaluated, and the functional significance of this variant is currently unknown. ClinVar contains an entry for this variant (Variation ID: 1039286). This variant has not been reported in the literature in individuals affected with RECQL4-related conditions.